The following is an entry in ClinVar:

NM_003924.4(PHOX2B):c.391C>G (p.Leu131Val)

Gene: PHOX2B (paired like homeobox 2B; minus strand). Cytogenetic location: 4p13.
Variant type: single nucleotide variant.
Coding change: c.391C>G on transcript NM_003924.4 (MANE Select); coding-DNA position 391, C replaced by G.
Protein change: p.Leu131Val; replaces leucine 131 with valine.
Molecular consequence: missense variant.
Genome position (GRCh38, 1-based): chr4:41,747,387, G>C on the plus strand (C>G on the coding strand, the complement: PHOX2B is on the minus strand). VCF-style: chr4-41747387-G-C. GRCh37 (hg19) VCF-style: chr4-41749404-G-C.
Other names: short protein forms L131V.
Identifiers: ClinVar variation 467725 (VCV000467725.15), dbSNP rs748614674, ClinGen allele CA2901525.
Genomic context (GRCh38, chr4:41,747,387, plus strand): 5'-GTCGGTTTCCAGGCGCGCGTACCTGGACTCGCGCCTCTGTGAGGTCGATCTTCAGGGCCA[G>C]CTCCTCCCGAGTGTAGATGTCGGGGTAGTGAGTCTCCGCGAAGACCCTTTCCAGCTCTTT-3'
Protein context (NP_003915.2, residues 121-141): HYPDIYTREE[Leu131Val]ALKIDLTEAR

ClinVar aggregate classification (germline): Conflicting classifications of pathogenicity. Review status: criteria provided, conflicting classifications (1 of 4 stars). 4 submissions from 4 submitters: Uncertain significance (3); Benign (1). Last evaluated 2024-10-26.

Conditions:
Haddad syndrome (OHD). Also called: Ondine-Hirschsprung disease. Identifiers: Orphanet 99803, MedGen C1859049, MONDO:0020493.
Neuroblastoma, susceptibility to, 2. Identifiers: Orphanet 635, MedGen C2751682, MONDO:0700041, OMIM 613013.
Hereditary cancer-predisposing syndrome. Also called: Neoplastic Syndromes, Hereditary; Tumor predisposition; Hereditary Cancer Syndrome; Hereditary neoplastic syndrome. Identifiers: Orphanet 140162, MedGen C0027672, MeSH D009386, MONDO:0015356.

Allele frequency attached by ClinVar (database versions not stated): gnomAD exomes 0.00001 and 0.00003; TOPMed 0.00002; ExAC 0.00003; gnomAD 0.00003.
gnomAD v4.1: 14 of 1,609,508 alleles (0.00087%); highest among the groups gnomAD compares: Admixed American, 0.018%; no homozygotes.

Submissions (4):

Labcorp Genetics (formerly Invitae), Labcorp
Classification: Uncertain significance for Haddad syndrome. Last evaluated: 2024-10-26. Review status: criteria provided, single submitter. Criteria: Invitae Variant Classification Sherloc (09022015). Collection method: clinical testing. Allele origin: germline.
Comment: This sequence change replaces leucine, which is neutral and non-polar, with valine, which is neutral and non-polar, at codon 131 of the PHOX2B protein (p.Leu131Val). This variant is present in population databases (rs748614674, gnomAD 0.02%). This variant has not been reported in the literature in individuals affected with PHOX2B-related conditions. ClinVar contains an entry for this variant (Variation ID: 467725). Invitae Evidence Modeling of protein sequence and biophysical properties (such as structural, functional, and spatial information, amino acid conservation, physicochemical variation, residue mobility, and thermodynamic stability) indicates that this missense variant is not expected to disrupt PHOX2B protein function with a negative predictive value of 80%. In summary, the available evidence is currently insufficient to determine the role of this variant in disease. Therefore, it has been classified as a Variant of Uncertain Significance.

GeneDx
Classification: Uncertain significance. Last evaluated: 2023-08-16. Review status: criteria provided, single submitter. Criteria: GeneDx Variant Classification Process June 2021. Collection method: clinical testing. Allele origin: germline. Affected: yes.
Comment: In silico analysis supports that this missense variant does not alter protein structure/function; Has not been previously published as pathogenic or benign to our knowledge

Baylor Genetics
Classification: Uncertain significance for Neuroblastoma, susceptibility to, 2. Last evaluated: 2023-05-08. Review status: criteria provided, single submitter. Criteria: ACMG Guidelines, 2015. Collection method: clinical testing. Allele origin: unknown.

Ambry Genetics
Classification: Benign for Hereditary cancer-predisposing syndrome. Last evaluated: 2022-06-01. Review status: criteria provided, single submitter. Criteria: Ambry Variant Classification Scheme 2023. Collection method: clinical testing. Allele origin: germline.